The following is an entry in ClinVar:

NM_001378452.1(ITPR1):c.8248A>G (p.Met2750Val)

Gene: ITPR1 (inositol 1,4,5-trisphosphate receptor type 1; plus strand). Cytogenetic location: 3p26.1.
Variant type: single nucleotide variant.
Coding change: c.8248A>G on transcript NM_001378452.1 (MANE Select); coding-DNA position 8248, A replaced by G.
Protein change: p.Met2750Val; replaces methionine 2750 with valine.
Molecular consequence: missense variant.
Genome position (GRCh38, 1-based): chr3:4,846,196, A>G. VCF-style: chr3-4846196-A-G. GRCh37 (hg19) VCF-style: chr3-4887880-A-G.
Other names: c.8104A>G, p.Met2702Val (NM_001099952.4); c.8203A>G, p.Met2735Val (NM_001168272.2); c.8059A>G, p.Met2687Val (NM_002222.7); short protein forms M2687V, M2735V, M2702V, M2750V.
Identifiers: ClinVar variation 345895 (VCV000345895.41), dbSNP rs201934670, ClinGen allele CA2233111.

ClinVar aggregate classification (germline): Uncertain significance. Review status: criteria provided, multiple submitters, no conflicts (2 of 4 stars). 4 submissions from 4 submitters: Uncertain significance (4). Last evaluated 2025-03-26.

Conditions:
Autosomal dominant cerebellar ataxia. Also called: Spinocerebellar Ataxia, Dominant. Identifiers: Orphanet 99, MedGen C4087347, MONDO:0020380.
Inborn genetic diseases. Identifiers: MedGen C0950123, MeSH D030342.

Allele frequency attached by ClinVar (database versions not stated): ExAC below 0.00001; gnomAD exomes 0.00001 and 0.00003; gnomAD 0.00002; TOPMed 0.00002.
gnomAD v4.1: 49 of 1,567,036 alleles (0.0031%); highest among the groups gnomAD compares: Non-Finnish European, 0.0036%; no homozygotes.

Submissions (4):

Ambry Genetics
Classification: Uncertain significance for Inborn genetic diseases. Last evaluated: 2025-03-26. Review status: criteria provided, single submitter. Criteria: Ambry Variant Classification Scheme 2023. Collection method: clinical testing. Allele origin: germline.

Labcorp Genetics (formerly Invitae), Labcorp
Classification: Uncertain significance. Last evaluated: 2023-04-24. Review status: criteria provided, single submitter. Criteria: Invitae Variant Classification Sherloc (09022015). Collection method: clinical testing. Allele origin: germline.
Comment: In summary, the available evidence is currently insufficient to determine the role of this variant in disease. Therefore, it has been classified as a Variant of Uncertain Significance. Advanced modeling of protein sequence and biophysical properties (such as structural, functional, and spatial information, amino acid conservation, physicochemical variation, residue mobility, and thermodynamic stability) has been performed at Invitae for this missense variant, however the output from this modeling did not meet the statistical confidence thresholds required to predict the impact of this variant on ITPR1 protein function. ClinVar contains an entry for this variant (Variation ID: 345895). This variant has not been reported in the literature in individuals affected with ITPR1-related conditions. The frequency data for this variant in the population databases is considered unreliable, as metrics indicate poor data quality at this position in the gnomAD database. This sequence change replaces methionine, which is neutral and non-polar, with valine, which is neutral and non-polar, at codon 2687 of the ITPR1 protein (p.Met2687Val).

CeGaT Center for Human Genetics Tuebingen
Classification: Uncertain significance. Last evaluated: 2022-06-01. Review status: criteria provided, single submitter. Criteria: CeGaT Center For Human Genetics Tuebingen Variant Classification Criteria Version 2. Collection method: clinical testing. Allele origin: germline. Affected: yes. Observed: 1 variant allele.

Illumina Laboratory Services, Illumina
Classification: Uncertain significance for Spinocerebellar Ataxia, Dominant. Last evaluated: 2018-01-12. Review status: criteria provided, single submitter. Criteria: ICSL Variant Classification Criteria 13 December 2019. Collection method: clinical testing. Allele origin: germline.